The following is an entry in ClinVar:

NC_000023.10:g.(?_32841402)_(33357392_?)dup

Gene: DMD (dystrophin; minus strand). Cytogenetic location: Xp21.1.
Variant type: Duplication.
Identifiers: ClinVar variation 2424948 (VCV002424948.5).

ClinVar aggregate classification (germline): Uncertain significance (1 of 4 stars; one submission).

Conditions:
Duchenne muscular dystrophy (DMD). Also called: Duchenne Muscular Dystrophy (DMD); MUSCULAR DYSTROPHY, PSEUDOHYPERTROPHIC PROGRESSIVE, DUCHENNE TYPE. Identifiers: Orphanet 98896, MedGen C0013264, MONDO:0010679, OMIM 310200.

Submission:

Labcorp Genetics (formerly Invitae), Labcorp
Classification: Uncertain significance for Duchenne muscular dystrophy. Last evaluated: 2022-07-20. Review status: criteria provided, single submitter. Criteria: Invitae Variant Classification Sherloc (09022015). Collection method: clinical testing. Allele origin: germline.
Comment: This variant results in a copy number gain of the genomic region encompassing exon(s) 1-5 of the DMD gene. This region includes the initiator codon of the gene. This copy number gain extends beyond the assayed region for this gene and therefore may encompass additional genes. As the precise location of this event is unknown, it may be in tandem or it may be located elsewhere in the genome. This variant has not been reported in the literature in individuals affected with DMD-related conditions. Experimental studies and prediction algorithms are not available or were not evaluated, and the functional significance of this variant is currently unknown. In summary, the available evidence is currently insufficient to determine the role of this variant in disease. Therefore, it has been classified as a Variant of Uncertain Significance.